The following is an entry in ClinVar:

NM_001370466.1(NOD2):c.2610C>T (p.Gly870=)

Gene: NOD2 (nucleotide binding oligomerization domain containing 2; plus strand). Cytogenetic location: 16q12.1.
Variant type: single nucleotide variant.
Coding change: c.2610C>T on transcript NM_001370466.1 (MANE Select); coding-DNA position 2610, C replaced by T.
Protein change: p.Gly870=; no amino-acid change (glycine 870 retained).
Molecular consequence: synonymous variant. On other transcripts: non-coding transcript variant (1).
Genome position (GRCh38, 1-based): chr16:50,719,985, C>T. VCF-style: chr16-50719985-C-T. GRCh37 (hg19) VCF-style: chr16-50753896-C-T.
Other names: c.2610C>T, p.Gly870= (NM_001293557.2); c.2691C>T, p.Gly897= (NM_022162.3).
Identifiers: ClinVar variation 2927774 (VCV002927774.3), dbSNP rs1233660431, ClinGen allele CA495470883.

ClinVar aggregate classification (germline): Uncertain significance (1 of 4 stars; one submission).

Conditions:
Blau syndrome (BLAUS). Also called: GRANULOMATOSIS, FAMILIAL JUVENILE SYSTEMIC; GRANULOMATOSIS, FAMILIAL, BLAU TYPE; GRANULOMATOUS INFLAMMATORY ARTHRITIS, DERMATITIS, AND UVEITIS, FAMILIAL; JABS SYNDROME; ARTHROCUTANEOUVEAL GRANULOMATOSIS. Identifiers: Orphanet 90340, MedGen C5201146, MONDO:0008523, OMIM 186580.
Regional enteritis. Also called: Enteritis, Granulomatous. Identifiers: MedGen C0678202, MeSH D003424.

Allele frequency attached by ClinVar (database versions not stated): gnomAD exomes below 0.00001.
gnomAD v4.1: 1 of 1,614,164 alleles (0.000062%); highest among the groups gnomAD compares: East Asian, 0.0022%; no homozygotes.

Submission:

Labcorp Genetics (formerly Invitae), Labcorp
Classification: Uncertain significance for Regional enteritis; Blau syndrome. Last evaluated: 2025-04-14. Review status: criteria provided, single submitter. Criteria: Invitae Variant Classification Sherloc (09022015). Collection method: clinical testing. Allele origin: germline.
Comment: This sequence change affects codon 897 of the NOD2 mRNA. It is a 'silent' change, meaning that it does not change the encoded amino acid sequence of the NOD2 protein. This variant is present in population databases (no rsID available, gnomAD 0.006%). This variant has not been reported in the literature in individuals affected with NOD2-related conditions. ClinVar contains an entry for this variant (Variation ID: 2927774). Algorithms developed to predict the effect of sequence changes on RNA splicing suggest that this variant may disrupt the consensus splice site. In summary, the available evidence is currently insufficient to determine the role of this variant in disease. Therefore, it has been classified as a Variant of Uncertain Significance.